The following is an entry in ClinVar:

NM_002528.7(NTHL1):c.156A>C (p.Lys52Asn)

Gene: NTHL1 (nth like DNA glycosylase 1; minus strand). Cytogenetic location: 16p13.3.
Variant type: single nucleotide variant.
Coding change: c.156A>C on transcript NM_002528.7 (MANE Select); coding-DNA position 156, A replaced by C.
Protein change: p.Lys52Asn; replaces lysine 52 with asparagine.
Molecular consequence: missense variant. On other transcripts: 5 prime UTR variant (1).
Genome position (GRCh38, 1-based): chr16:2,046,326, T>G on the plus strand (A>C on the coding strand, the complement: NTHL1 is on the minus strand). VCF-style: chr16-2046326-T-G. GRCh37 (hg19) VCF-style: chr16-2096327-T-G.
Other names: c.180A>C (NM_002528.5); c.156A>C, p.Lys52Asn (NM_001318193.2); c.-23A>C (NM_001318194.2); short protein forms K52N.
Identifiers: ClinVar variation 2132471 (VCV002132471.5), dbSNP rs2150947326, ClinGen allele CA394297946.
Genomic context (GRCh38, chr16:2,046,326, plus strand): 5'-CTCAGCCCCCTCACCTTTCTCACTGTCCGAGCCCTCATAGGCCACACGCAGTCTCTGTGC[T>G]TTCCGCGGACGCTTCACGGGGCTGTGGCTTTTCCTCGCTTCTGCAAAAAGCACCACGCAG-3'
Protein context (NP_002519.2, residues 42-62): KSHSPVKRPR[Lys52Asn]AQRLRVAYEG

ClinVar aggregate classification (germline): Uncertain significance. Review status: criteria provided, multiple submitters, no conflicts (2 of 4 stars). 2 submissions from 2 submitters: Uncertain significance (2). Last evaluated 2025-08-08.

Conditions:
Hereditary cancer-predisposing syndrome. Also called: Hereditary neoplastic syndrome; Hereditary Cancer Syndrome; Tumor predisposition; Neoplastic Syndromes, Hereditary. Identifiers: Orphanet 140162, MedGen C0027672, MeSH D009386, MONDO:0015356.

Submissions (2):

Ambry Genetics
Classification: Uncertain significance for Hereditary cancer-predisposing syndrome. Last evaluated: 2025-08-08. Review status: criteria provided, single submitter. Criteria: Ambry Variant Classification Scheme 2023. Collection method: clinical testing. Allele origin: germline.
Comment: The p.K60N variant (also known as c.180A>C), located in coding exon 2 of the NTHL1 gene, results from an A to C substitution at nucleotide position 180. The lysine at codon 60 is replaced by asparagine, an amino acid with similar properties. This amino acid position is conserved. In addition, this alteration is predicted to be tolerated by in silico analysis. Based on the available evidence, the clinical significance of this variant remains unclear.

Labcorp Genetics (formerly Invitae), Labcorp
Classification: Uncertain significance. Last evaluated: 2022-05-01. Review status: criteria provided, single submitter. Criteria: Invitae Variant Classification Sherloc (09022015). Collection method: clinical testing. Allele origin: germline.
Comment: In summary, the available evidence is currently insufficient to determine the role of this variant in disease. Therefore, it has been classified as a Variant of Uncertain Significance. Algorithms developed to predict the effect of missense changes on protein structure and function are either unavailable or do not agree on the potential impact of this missense change (SIFT: "Not Available"; PolyPhen-2: "Benign"; Align-GVGD: "Not Available"). This variant has not been reported in the literature in individuals affected with NTHL1-related conditions. This variant is not present in population databases (gnomAD no frequency). This sequence change replaces lysine, which is basic and polar, with asparagine, which is neutral and polar, at codon 60 of the NTHL1 protein (p.Lys60Asn).